The following is an entry in ClinVar:

ClinVar aggregate classification (germline): Pathogenic (1 of 4 stars; one submission).

Submission:

Labcorp Genetics (formerly Invitae), Labcorp
Classification: Pathogenic. Last evaluated: 2021-04-09. Review status: criteria provided, single submitter. Criteria: Invitae Variant Classification Sherloc (09022015). Collection method: clinical testing. Allele origin: germline.
Comment: This variant disrupts the triple helix domain of COL4A5. Glycine residues within the Gly-Xaa-Yaa repeats of the triple helix domain are required for the structure and stability of fibrillar collagens (PMID: 7695699, 8218237, 19344236). In COL4A5, missense variants at these glycine residues are significantly enriched in individuals with disease (PMID: 23720012, 27627812) compared to the general population (ExAC). For these reasons, this variant has been classified as Pathogenic. This variant has not been reported in the literature in individuals with COL4A5-related conditions. This variant is a gross deletion of the genomic region encompassing exon(s) 46-47 of the COL4A5 gene. This variant would be expected to be in-frame, preserving the integrity of the reading frame.

Literature cited by the submitters: PubMed 7695699; PubMed 8218237; PubMed 19344236; PubMed 23720012; PubMed 27627812.

NC_000023.10:g.(?_107929241)_(107930944_?)del

Gene: COL4A5 (collagen type IV alpha 5 chain; plus strand). Cytogenetic location: Xq22.3.
Variant type: Deletion.
Identifiers: ClinVar variation 1455034 (VCV001455034.6).